The following is an entry in ClinVar:

NC_000016.9:g.(?_75573892)_(75690509_?)del

Genes: TMEM231 (transmembrane protein 231; minus strand), ADAT1 (adenosine deaminase tRNA specific 1; minus strand), TERF2IP (TERF2 interacting protein; plus strand), KARS1 (lysyl-tRNA synthetase 1; minus strand), GABARAPL2 (GABA type A receptor associated protein like 2; plus strand). Cytogenetic location: 16q23.1.
Variant type: Deletion.
Identifiers: ClinVar variation 1351746 (VCV001351746.4).

ClinVar aggregate classification (germline): Pathogenic (1 of 4 stars; one submission).

Conditions:
Meckel syndrome, type 11 (MKS11). Identifiers: Orphanet 564, MedGen C3809352, MONDO:0014164, OMIM 615397.
Joubert syndrome 20 (JBTS20). Identifiers: Orphanet 475, MedGen C3554235, MONDO:0013994, OMIM 614970.

Submission:

Labcorp Genetics (formerly Invitae), Labcorp
Classification: Pathogenic for Joubert syndrome 20; Meckel syndrome, type 11. Last evaluated: 2021-02-15. Review status: criteria provided, single submitter. Criteria: Invitae Variant Classification Sherloc (09022015). Collection method: clinical testing. Allele origin: germline.
Comment: For these reasons, this variant has been classified as Pathogenic. This variant has not been reported in the literature in individuals with TMEM231-related conditions. A gross deletion of the genomic region encompassing the full coding sequence of the TMEM231 gene has been identified. Loss-of-function variants in TMEM231 are known to be pathogenic (PMID: 23012439, 23349226). The boundaries of this event are unknown as they extend beyond the assayed region for this gene and therefore may encompass additional genes.

Literature cited by the submitters: PubMed 23012439; PubMed 23349226.